The following is an entry in ClinVar:

NM_000179.3(MSH6):c.3890G>C (p.Ser1297Thr)

Gene: MSH6 (mutS homolog 6; plus strand). Cytogenetic location: 2p16.3.
Variant type: single nucleotide variant.
Coding change: c.3890G>C on transcript NM_000179.3 (MANE Select); coding-DNA position 3890, G replaced by C.
Protein change: p.Ser1297Thr; replaces serine 1297 with threonine.
Molecular consequence: missense variant.
Genome position (GRCh38, 1-based): chr2:47,806,540, G>C. VCF-style: chr2-47806540-G-C. GRCh37 (hg19) VCF-style: chr2-48033679-G-C.
Other names: c.3500G>C, p.Ser1167Thr (NM_001281492.2); c.2984G>C, p.Ser995Thr (NM_001281493.2, NM_001281494.2); short protein forms S1167T, S1297T, S995T.
Identifiers: ClinVar variation 847976 (VCV000847976.12), dbSNP rs1670115084, ClinGen allele CA346761395.

ClinVar aggregate classification (germline): Uncertain significance. Review status: criteria provided, multiple submitters, no conflicts (2 of 4 stars). 2 submissions from 2 submitters: Uncertain significance (2). Last evaluated 2026-08-14.

Conditions:
Hereditary nonpolyposis colorectal neoplasms. Identifiers: MedGen C0009405, MeSH D003123.
Hereditary cancer-predisposing syndrome. Also called: Tumor predisposition; Hereditary neoplastic syndrome; Neoplastic Syndromes, Hereditary; Hereditary Cancer Syndrome. Identifiers: Orphanet 140162, MedGen C0027672, MeSH D009386, MONDO:0015356.

Submissions (2):

Ambry Genetics
Classification: Uncertain significance for Hereditary cancer-predisposing syndrome. Last evaluated: 2026-08-14. Review status: criteria provided, single submitter. Criteria: Ambry Variant Classification Scheme 2023. Collection method: clinical testing. Allele origin: germline.
Comment: The p.S1297T variant (also known as c.3890G>C), located in coding exon 9 of the MSH6 gene, results from a G to C substitution at nucleotide position 3890. The serine at codon 1297 is replaced by threonine, an amino acid with similar properties. This amino acid position is highly conserved in available vertebrate species. In addition, this alteration is predicted to be deleterious by in silico analysis. Based on the available evidence, the clinical significance of this variant remains unclear.

Labcorp Genetics (formerly Invitae), Labcorp
Classification: Uncertain significance for Hereditary nonpolyposis colorectal neoplasms. Last evaluated: 2025-05-05. Review status: criteria provided, single submitter. Criteria: Invitae Variant Classification Sherloc (09022015). Collection method: clinical testing. Allele origin: germline.
Comment: This sequence change replaces serine, which is neutral and polar, with threonine, which is neutral and polar, at codon 1297 of the MSH6 protein (p.Ser1297Thr). This variant is not present in population databases (gnomAD no frequency). This variant has not been reported in the literature in individuals affected with MSH6-related conditions. ClinVar contains an entry for this variant (Variation ID: 847976). Invitae Evidence Modeling of protein sequence and biophysical properties (such as structural, functional, and spatial information, amino acid conservation, physicochemical variation, residue mobility, and thermodynamic stability) has been performed for this missense variant. However, the output from this modeling did not meet the statistical confidence thresholds required to predict the impact of this variant on MSH6 protein function. In summary, the available evidence is currently insufficient to determine the role of this variant in disease. Therefore, it has been classified as a Variant of Uncertain Significance.